The following is an entry in ClinVar:

NM_005732.4(RAD50):c.1352G>T (p.Ser451Ile)

Gene: RAD50 (RAD50 double strand break repair protein; plus strand). Cytogenetic location: 5q31.1.
Variant type: single nucleotide variant.
Coding change: c.1352G>T on transcript NM_005732.4 (MANE Select); coding-DNA position 1352, G replaced by T.
Protein change: p.Ser451Ile; replaces serine 451 with isoleucine.
Molecular consequence: missense variant.
Genome position (GRCh38, 1-based): chr5:132,589,737, G>T. VCF-style: chr5-132589737-G-T. GRCh37 (hg19) VCF-style: chr5-131925429-G-T.
Other names: short protein forms S451I.
Identifiers: ClinVar variation 2010767 (VCV002010767.4), dbSNP rs755082861, ClinGen allele CA360944249.

ClinVar aggregate classification (germline): Uncertain significance (1 of 4 stars; one submission).

Conditions:
Hereditary cancer-predisposing syndrome. Also called: Tumor predisposition; Neoplastic Syndromes, Hereditary; Hereditary Cancer Syndrome; Hereditary neoplastic syndrome. Identifiers: Orphanet 140162, MedGen C0027672, MeSH D009386, MONDO:0015356.

Submission:

Labcorp Genetics (formerly Invitae), Labcorp
Classification: Uncertain significance for Hereditary cancer-predisposing syndrome. Last evaluated: 2022-06-26. Review status: criteria provided, single submitter. Criteria: Invitae Variant Classification Sherloc (09022015). Collection method: clinical testing. Allele origin: germline.
Comment: This sequence change replaces serine, which is neutral and polar, with isoleucine, which is neutral and non-polar, at codon 451 of the RAD50 protein (p.Ser451Ile). In summary, the available evidence is currently insufficient to determine the role of this variant in disease. Therefore, it has been classified as a Variant of Uncertain Significance. Algorithms developed to predict the effect of missense changes on protein structure and function (SIFT, PolyPhen-2, Align-GVGD) all suggest that this variant is likely to be tolerated. This variant has not been reported in the literature in individuals affected with RAD50-related conditions. This variant is not present in population databases (gnomAD no frequency).